The following is an entry in ClinVar:

ClinVar aggregate classification (germline): Uncertain significance (1 of 4 stars; one submission).

Submission:

Labcorp Genetics (formerly Invitae), Labcorp
Classification: Uncertain significance. Last evaluated: 2022-09-21. Review status: criteria provided, single submitter. Criteria: Invitae Variant Classification Sherloc (09022015). Collection method: clinical testing. Allele origin: germline.
Comment: A copy number gain of the genomic region encompassing the full coding sequence of the ECHS1 gene has been identified. The boundaries of this event are unknown as they extend beyond the assayed region for this gene and therefore may encompass additional genes. As the precise location of this event is unknown, it may be in tandem or it may be located elsewhere in the genome. This variant has not been reported in the literature in individuals affected with ECHS1-related conditions. In summary, the available evidence is currently insufficient to determine the role of this variant in disease. Therefore, it has been classified as a Variant of Uncertain Significance.

NC_000010.10:g.(?_135176372)_(135186837_?)dup

Gene: ECHS1 (enoyl-CoA hydratase, short chain 1; minus strand). Cytogenetic location: 10q26.3.
Variant type: Duplication.
Identifiers: ClinVar variation 1447341 (VCV001447341.4).